The following is an entry in ClinVar:

ClinVar aggregate classification (germline): Conflicting classifications of pathogenicity. Review status: criteria provided, conflicting classifications (1 of 4 stars). 2 submissions from 2 submitters: Uncertain significance (1); Likely benign (1). Last evaluated 2026-02-19.

Conditions:
Chuvash polycythemia. Also called: POLYCYTHEMIA, VHL-DEPENDENT. Identifiers: Orphanet 238557, MedGen C1837915, MONDO:0009892, OMIM 263400.
Von Hippel-Lindau syndrome (VHLS). Also called: von Hippel–Lindau syndrome; Von Hippel-Lindau; VHL syndrome. Identifiers: Orphanet 892, MedGen C0019562, MONDO:0008667, OMIM 193300. Disease mechanism: loss of function.
Hereditary cancer-predisposing syndrome. Also called: Hereditary Cancer Syndrome; Tumor predisposition; Neoplastic Syndromes, Hereditary; Hereditary neoplastic syndrome. Identifiers: Orphanet 140162, MedGen C0027672, MeSH D009386, MONDO:0015356.

Submissions (2):

Ambry Genetics
Classification: Likely benign for Hereditary cancer-predisposing syndrome. Last evaluated: 2026-02-19. Review status: criteria provided, single submitter. Criteria: Ambry Variant Classification Scheme 2023. Collection method: clinical testing. Allele origin: germline.

Labcorp Genetics (formerly Invitae), Labcorp
Classification: Uncertain significance for Von Hippel-Lindau syndrome; Chuvash polycythemia. Last evaluated: 2023-02-13. Review status: criteria provided, single submitter. Criteria: Invitae Variant Classification Sherloc (09022015). Collection method: clinical testing. Allele origin: germline.
Comment: This sequence change replaces asparagine, which is neutral and polar, with isoleucine, which is neutral and non-polar, at codon 7 of the VHL protein (p.Asn7Ile). This variant is not present in population databases (gnomAD no frequency). This variant has not been reported in the literature in individuals affected with VHL-related conditions. ClinVar contains an entry for this variant (Variation ID: 843835). Advanced modeling of protein sequence and biophysical properties (such as structural, functional, and spatial information, amino acid conservation, physicochemical variation, residue mobility, and thermodynamic stability) performed at Invitae indicates that this missense variant is not expected to disrupt VHL protein function. In summary, the available evidence is currently insufficient to determine the role of this variant in disease. Therefore, it has been classified as a Variant of Uncertain Significance.

NM_000551.4(VHL):c.20A>T (p.Asn7Ile)

Gene: VHL (von Hippel-Lindau tumor suppressor; plus strand). Cytogenetic location: 3p25.3.
Variant type: single nucleotide variant.
Coding change: c.20A>T on transcript NM_000551.4 (MANE Select); coding-DNA position 20, A replaced by T.
Protein change: p.Asn7Ile; replaces asparagine 7 with isoleucine.
Molecular consequence: missense variant.
Genome position (GRCh38, 1-based): chr3:10,141,867, A>T. VCF-style: chr3-10141867-A-T. GRCh37 (hg19) VCF-style: chr3-10183551-A-T.
Other names: c.20A>T, p.Asn7Ile (NM_001354723.2, NM_198156.3); short protein forms N7I.
Identifiers: ClinVar variation 843835 (VCV000843835.11), dbSNP rs1575920892, ClinGen allele CA351747050.